The following is an entry in ClinVar:

ClinVar aggregate classification (germline): Pathogenic (1 of 4 stars; one submission).

Conditions:
Long QT syndrome (LQTS). Identifiers: MedGen C0023976, MeSH D008133, MONDO:0002442. Disease mechanism: loss of function. Inheritance: Various modes of inheritance.

Submission:

Labcorp Genetics (formerly Invitae), Labcorp
Classification: Pathogenic for Long QT syndrome. Last evaluated: 2021-05-08. Review status: criteria provided, single submitter. Criteria: Invitae Variant Classification Sherloc (09022015). Collection method: clinical testing. Allele origin: germline.
Comment: For these reasons, this variant has been classified as Pathogenic. This variant has been observed in individual(s) referred for long QT syndrome testing (PMID: 19716085). This variant is also known as 3088_3089dupGC, S1029fs+27X*. The frequency data for this variant in the population databases is considered unreliable, as metrics indicate insufficient coverage at this position in the ExAC database. This sequence change creates a premature translational stop signal (p.Pro1030Alafs*28) in the KCNH2 gene. It is expected to result in an absent or disrupted protein product. Loss-of-function variants in KCNH2 are known to be pathogenic (PMID: 10973849, 19862833).

Literature cited by the submitters: PubMed 19716085; PubMed 10973849; PubMed 19862833.

NM_000238.4(KCNH2):c.3086_3087dup (p.Pro1030fs)

Gene: KCNH2 (potassium voltage-gated channel subfamily H member 2; minus strand). Cytogenetic location: 7q36.1.
Variant type: Duplication.
Coding change: c.3086_3087dup on transcript NM_000238.4 (MANE Select); coding-DNA positions 3086 to 3087, 2 bases duplicated (GC; older notation c.3086_3087dupGC).
Protein change: p.Pro1030fs; shifts the reading frame from proline 1030.
Molecular consequence: frameshift variant.
Genome position (GRCh38, 1-based): chr7:150,947,393-150,947,394, GC duplicated on the plus strand (GC on the coding strand, the reverse complement: KCNH2 is on the minus strand). VCF-style (leftmost placement, unchanged base first): chr7-150947392-G-GGC. GRCh37 (hg19) VCF-style: chr7-150644480-G-GGC.
Other names: c.2066_2067dup, p.Pro690fs (NM_172057.3); short protein forms P1030fs, P690fs.
Identifiers: ClinVar variation 1452025 (VCV001452025.8), dbSNP rs2116929283, ClinGen allele CA2573141847.
Genomic context (GRCh38, chr7:150,947,392, plus strand): 5'-TGAGCTGGCGCTGGAGGGCATCCAGCCTGCTCTCCACGTCGCCCCGGGGCCGCCGACCCG[G>GGC]GCTGGAGAGGGGGATGTTGAGGAGGCTGGGGGTGGGGGCGGGGCATCGAGGGAGCTCCTG-3'